The following is an entry in ClinVar:

ClinVar aggregate classification (germline): Uncertain significance. Review status: criteria provided, multiple submitters, no conflicts (2 of 4 stars). 6 submissions from 6 submitters: Uncertain significance (6). Last evaluated 2025-10-06.

Conditions:
Hereditary cancer-predisposing syndrome. Also called: Tumor predisposition; Hereditary Cancer Syndrome; Hereditary neoplastic syndrome; Neoplastic Syndromes, Hereditary. Identifiers: Orphanet 140162, MedGen C0027672, MeSH D009386, MONDO:0015356.
Breast-ovarian cancer, familial, susceptibility to, 4. Identifiers: Orphanet 145, MedGen C3280345, MONDO:0013669, OMIM 614291.

Allele frequency attached by ClinVar (database versions not stated): gnomAD exomes 0.00001; TOPMed 0.00001; gnomAD 0.00001.
gnomAD v4.1: 7 of 1,613,832 alleles (0.00043%); highest among the groups gnomAD compares: Admixed American, 0.0017%; no homozygotes.

Submissions (6):

Ambry Genetics
Classification: Uncertain significance for Hereditary cancer-predisposing syndrome. Last evaluated: 2025-10-06. Review status: criteria provided, single submitter. Criteria: Ambry Variant Classification Scheme 2023. Collection method: clinical testing. Allele origin: germline.
Comment: The p.R253Q variant (also known as c.758G>A), located in coding exon 9 of the RAD51D gene, results from a G to A substitution at nucleotide position 758. The arginine at codon 253 is replaced by glutamine, an amino acid with highly similar properties. This alteration was detected in 1/5589 German BRCA1/2-negative probands with breast cancer (Hauke J et al. Cancer Med, 2018 04;7:1349-1358). This amino acid position is well conserved in available vertebrate species. In addition, this alteration is predicted to be tolerated by in silico analysis. Since supporting evidence is limited at this time, the clinical significance of this alteration remains unclear.

Labcorp Genetics (formerly Invitae), Labcorp
Classification: Uncertain significance for Breast-ovarian cancer, familial, susceptibility to, 4. Last evaluated: 2025-05-21. Review status: criteria provided, single submitter. Criteria: Invitae Variant Classification Sherloc (09022015). Collection method: clinical testing. Allele origin: germline.
Comment: This sequence change replaces arginine, which is basic and polar, with glutamine, which is neutral and polar, at codon 253 of the RAD51D protein (p.Arg253Gln). This variant is present in population databases (no rsID available, gnomAD 0.003%). This missense change has been observed in individual(s) with RAD51D-related conditions (PMID: 29522266). ClinVar contains an entry for this variant (Variation ID: 410568). Invitae Evidence Modeling of protein sequence and biophysical properties (such as structural, functional, and spatial information, amino acid conservation, physicochemical variation, residue mobility, and thermodynamic stability) indicates that this missense variant is not expected to disrupt RAD51D protein function with a negative predictive value of 80%. In summary, the available evidence is currently insufficient to determine the role of this variant in disease. Therefore, it has been classified as a Variant of Uncertain Significance.

Center for Genomic Medicine, Rigshospitalet, Copenhagen University Hospital
Classification: Uncertain significance. Last evaluated: 2025-03-04. Review status: criteria provided, single submitter. Criteria: ACMG Guidelines, 2015. Collection method: clinical testing. Allele origin: germline.

Color Diagnostics, LLC DBA Color Health
Classification: Uncertain significance for Hereditary cancer-predisposing syndrome. Last evaluated: 2025-02-25. Review status: criteria provided, single submitter. Criteria: ACMG Guidelines, 2015. Collection method: clinical testing. Allele origin: germline.
Comment: This missense variant replaces arginine with glutamine at codon 253 of the RAD51D protein. Computational prediction suggests that this variant may not impact protein structure and function. To our knowledge, functional studies have not been reported for this variant. This variant has been reported in an individual affected with breast cancer (PMID: 29522266). This variant has been identified in 3/282594 chromosomes in the general population by the Genome Aggregation Database (gnomAD). The available evidence is insufficient to determine the role of this variant in disease conclusively. Therefore, this variant is classified as a Variant of Uncertain Significance.

GeneDx
Classification: Uncertain significance. Last evaluated: 2024-03-06. Review status: criteria provided, single submitter. Criteria: GeneDx Variant Classification Process June 2021. Collection method: clinical testing. Allele origin: germline. Affected: yes.
Comment: Not observed at significant frequency in large population cohorts (gnomAD); In silico analysis supports that this missense variant does not alter protein structure/function; Has not been previously published as pathogenic or benign to our knowledge; This variant is associated with the following publications: (PMID: 21111057, 14704354, 19327148)

PreventionGenetics, part of Exact Sciences
Classification: Uncertain significance. Last evaluated: 2017-09-12. Review status: criteria provided, single submitter. Criteria: ACMG Guidelines, 2015. Collection method: clinical testing. Allele origin: germline.

Literature cited by the submitters: PubMed 29522266 (cited by 4 submitters).

NM_002878.4(RAD51D):c.758G>A (p.Arg253Gln)

Genes: RAD51D (RAD51 paralog D; minus strand), RAD51L3-RFFL (RAD51L3-RFFL readthrough; minus strand). Cytogenetic location: 17q12.
Variant type: single nucleotide variant.
Coding change: c.758G>A on transcript NM_002878.4 (MANE Select); coding-DNA position 758, G replaced by A.
Protein change: p.Arg253Gln; replaces arginine 253 with glutamine.
Molecular consequence: missense variant. On other transcripts: non-coding transcript variant (3).
Genome position (GRCh38, 1-based): chr17:35,101,346, C>T on the plus strand (G>A on the coding strand, the complement: RAD51D is on the minus strand). VCF-style: chr17-35101346-C-T. GRCh37 (hg19) VCF-style: chr17-33428365-C-T.
Other names: c.818G>A, p.Arg273Gln (NM_001142571.2); c.422G>A, p.Arg141Gln (NM_133629.3); short protein forms R253Q, R141Q, R273Q.
Identifiers: ClinVar variation 410568 (VCV000410568.15), dbSNP rs1060502963, ClinGen allele CA16615309.